The following is an entry in ClinVar:

ClinVar aggregate classification (germline): Pathogenic/Likely pathogenic. Review status: criteria provided, multiple submitters, no conflicts (2 of 4 stars). 4 submissions from 4 submitters: Pathogenic (2); Likely pathogenic (2). Last evaluated 2025-10-24.

Conditions:
LMX1B-related disorder. Also called: LMX1B-related condition.
Inborn genetic diseases. Identifiers: MedGen C0950123, MeSH D030342.

Allele frequency attached by ClinVar (database versions not stated): gnomAD exomes below 0.00001; gnomAD 0.00001.
gnomAD v4.1: 2 of 1,611,472 alleles (0.00012%); highest among the groups gnomAD compares: Admixed American, 0.0017%; no homozygotes.

Submissions (4):

Ambry Genetics
Classification: Pathogenic for Inborn genetic diseases. Last evaluated: 2025-10-24. Review status: criteria provided, single submitter. Criteria: Ambry Variant Classification Scheme 2023. Collection method: clinical testing. Allele origin: germline.
Comment: The c.667C>T (p.R223W) alteration is located in exon 4 (coding exon 4) of the LMX1B gene. This alteration results from a C to T substitution at nucleotide position 667, causing the arginine (R) at amino acid position 223 to be replaced by a tryptophan (W). for Nail-patella syndrome; however, its clinical significance for LMX1B-related focal segmental glomerulosclerosis is uncertain. This variant was not reported in population-based cohorts in the Genome Aggregation Database (gnomAD). This variant was determined to be de novo in at least one individual with features consistent with Nail-patella syndrome (Lee, 2009). Note, this variant is also referred to as p.R200W in the literature. Other variant(s) at the same codon, c.668G>A (p.R223Q), c.668G>C (p.R223P), have been identified in individual(s) with features consistent with Nail-patella syndrome (McIntosh, 1998; Ghoumid, 2016; Gardin, 2020). This amino acid position is highly conserved in available vertebrate species. This alteration is predicted to be deleterious by in silico analysis. Based on the available evidence, this alteration is classified as pathogenic.

Labcorp Genetics (formerly Invitae), Labcorp
Classification: Pathogenic. Last evaluated: 2024-12-29. Review status: criteria provided, single submitter. Criteria: Invitae Variant Classification Sherloc (09022015). Collection method: clinical testing. Allele origin: germline.
Comment: This sequence change replaces arginine, which is basic and polar, with tryptophan, which is neutral and slightly polar, at codon 223 of the LMX1B protein (p.Arg223Trp). This variant is not present in population databases (gnomAD no frequency). This missense change has been observed in individual(s) with nail-patella syndrome (PMID: 19194568). In at least one individual the variant was observed to be de novo. This variant is also known as p.R200W or p.Arg200Trp. ClinVar contains an entry for this variant (Variation ID: 2628831). Invitae Evidence Modeling of protein sequence and biophysical properties (such as structural, functional, and spatial information, amino acid conservation, physicochemical variation, residue mobility, and thermodynamic stability) indicates that this missense variant is expected to disrupt LMX1B protein function with a positive predictive value of 80%. This variant disrupts the p.Arg223 amino acid residue in LMX1B. Other variant(s) that disrupt this residue have been determined to be pathogenic (PMID: 9837817, 28780565, 29869118). This suggests that this residue is clinically significant, and that variants that disrupt this residue are likely to be disease-causing. For these reasons, this variant has been classified as Pathogenic.

GeneDx
Classification: Likely pathogenic. Last evaluated: 2024-08-14. Review status: criteria provided, single submitter. Criteria: GeneDx Variant Classification Process June 2021. Collection method: clinical testing. Allele origin: germline. Affected: yes.
Comment: Identified in a patient with bilateral vertical talus; additional clinical information was not provided (PMID: 35487415); Not observed at significant frequency in large population cohorts (gnomAD); In silico analysis supports that this missense variant has a deleterious effect on protein structure/function; This variant is associated with the following publications: (PMID: 10571942, 19194568, 38478172, 21920246, 35487415)

PreventionGenetics, part of Exact Sciences
Classification: Likely pathogenic for LMX1B-related condition. Last evaluated: 2023-04-03. Review status: criteria provided, single submitter. Criteria: ACMG Guidelines, 2015. Collection method: clinical testing. Allele origin: germline.
Comment: The LMX1B c.667C>T variant is predicted to result in the amino acid substitution p.Arg223Trp. This variant has been reported in a patient with nail-patella syndrome (variant referred to as p.R200W in Lee et al. 2009. PubMed ID: 19194568). This variant has not been reported in a large population database, indicating this variant is rare. Of note, other variants impacting the same amino acid residue (p.Arg223Pro; p.Arg223Gln) have been also been reported in patients with LMX1B-related disorders (de novo in Gardin et al. 2020. PubMed ID: 32954044; variant referred to as p.Arg200Gln in McIntosh. 1998. PubMed ID: 9837817; variant referred to as p.Arg200Gly in Marini et al. 2010. PubMed ID: 20531206). Based on this evidence, we interpret this variant as likely pathogenic.

Literature cited by the submitters: PubMed 9837817 (cited by Ambry Genetics and Labcorp Genetics (formerly Invitae), Labcorp); PubMed 19194568 (cited by Ambry Genetics and Labcorp Genetics (formerly Invitae), Labcorp); PubMed 25898926 (cited by Ambry Genetics); PubMed 32954044 (cited by Ambry Genetics); PubMed 28780565 (cited by Labcorp Genetics (formerly Invitae), Labcorp); PubMed 29869118 (cited by Labcorp Genetics (formerly Invitae), Labcorp).

NM_001174147.2(LMX1B):c.667C>T (p.Arg223Trp)

Gene: LMX1B (LIM homeobox transcription factor 1 beta; plus strand). Cytogenetic location: 9q33.3.
Variant type: single nucleotide variant.
Coding change: c.667C>T on transcript NM_001174147.2 (MANE Select); coding-DNA position 667, C replaced by T.
Protein change: p.Arg223Trp; replaces arginine 223 with tryptophan.
Molecular consequence: missense variant.
Genome position (GRCh38, 1-based): chr9:126,693,249, C>T. VCF-style: chr9-126693249-C-T. GRCh37 (hg19) VCF-style: chr9-129455528-C-T.
Other names: c.667C>T, p.Arg223Trp (NM_001174146.2, NM_002316.4); short protein forms R223W.
Identifiers: ClinVar variation 2628831 (VCV002628831.6), dbSNP rs2030200763, ClinGen allele CA374913458.